The following is an entry in ClinVar:

NM_153676.4(USH1C):c.752G>A (p.Gly251Glu)

Gene: USH1C (USH1 protein network component harmonin; minus strand). Cytogenetic location: 11p15.1.
Variant type: single nucleotide variant.
Coding change: c.752G>A on transcript NM_153676.4 (MANE Select); coding-DNA position 752, G replaced by A.
Protein change: p.Gly251Glu; replaces glycine 251 with glutamic acid.
Molecular consequence: missense variant. On other transcripts: non-coding transcript variant (1).
Genome position (GRCh38, 1-based): chr11:17,524,458, C>T on the plus strand (G>A on the coding strand, the complement: USH1C is on the minus strand). VCF-style: chr11-17524458-C-T. GRCh37 (hg19) VCF-style: chr11-17546005-C-T.
Other names: c.752G>A, p.Gly251Glu (NM_001297764.2, NM_005709.4); short protein forms G251E.
Identifiers: ClinVar variation 1395329 (VCV001395329.6), dbSNP rs773514992, ClinGen allele CA5904906.

ClinVar aggregate classification (germline): Uncertain significance (1 of 4 stars; one submission).

Allele frequency attached by ClinVar (database versions not stated): gnomAD 0.00001; gnomAD exomes 0.00001 and 0.00002; ExAC 0.00008.
gnomAD v4.1: 12 of 1,571,952 alleles (0.00076%); highest among the groups gnomAD compares: Middle Eastern, 0.033%; no homozygotes.

Submission:

Labcorp Genetics (formerly Invitae), Labcorp
Classification: Uncertain significance. Last evaluated: 2024-04-25. Review status: criteria provided, single submitter. Criteria: Invitae Variant Classification Sherloc (09022015). Collection method: clinical testing. Allele origin: germline.
Comment: This sequence change replaces glycine, which is neutral and non-polar, with glutamic acid, which is acidic and polar, at codon 251 of the USH1C protein (p.Gly251Glu). The frequency data for this variant in the population databases is considered unreliable, as metrics indicate poor data quality at this position in the gnomAD database. This variant has not been reported in the literature in individuals affected with USH1C-related conditions. ClinVar contains an entry for this variant (Variation ID: 1395329). An algorithm developed to predict the effect of missense changes on protein structure and function (PolyPhen-2) suggests that this variant is likely to be disruptive. In summary, the available evidence is currently insufficient to determine the role of this variant in disease. Therefore, it has been classified as a Variant of Uncertain Significance.